The following is an entry in ClinVar:

NM_014795.4(ZEB2):c.919G>A (p.Glu307Lys)

Gene: ZEB2 (zinc finger E-box binding homeobox 2; minus strand). Cytogenetic location: 2q22.3.
Variant type: single nucleotide variant.
Coding change: c.919G>A on transcript NM_014795.4 (MANE Select); coding-DNA position 919, G replaced by A.
Protein change: p.Glu307Lys; replaces glutamic acid 307 with lysine.
Molecular consequence: missense variant.
Genome position (GRCh38, 1-based): chr2:144,400,268, C>T on the plus strand (G>A on the coding strand, the complement: ZEB2 is on the minus strand). VCF-style: chr2-144400268-C-T. GRCh37 (hg19) VCF-style: chr2-145157835-C-T.
Other names: c.847G>A, p.Glu283Lys (NM_001171653.2); short protein forms E307K, E283K.
Identifiers: ClinVar variation 2077181 (VCV002077181.5), dbSNP rs2549107216, ClinGen allele CA348713428.
Genomic context (GRCh38, chr2:144,400,268, plus strand): 5'-AACTGTAGGAACCAGAATGGGAGAAACGTTTCTTGCAGTTTGGGCACTCGTAAGGTTTTT[C>T]ACCTAAAATGATAATTAAAATTACCGTTACATTTCCTTGATTAGATAACAATTGCAATTG-3'
Protein context (NP_055610.1, residues 297-317): LKEHLRIHSG[Glu307Lys]KPYECPNCKK

ClinVar aggregate classification (germline): Uncertain significance. Review status: criteria provided, multiple submitters, no conflicts (2 of 4 stars). 2 submissions from 2 submitters: Uncertain significance (2). Last evaluated 2024-06-23.

Conditions:
Mowat-Wilson syndrome (MOWS). Also called: Classic Mowat-Wilson Syndrome. Identifiers: Orphanet 2152, MedGen C1856113, MONDO:0009341, OMIM 235730.

Submissions (2):

3billion
Classification: Uncertain significance for Mowat-Wilson syndrome. Last evaluated: 2024-06-23. Review status: criteria provided, single submitter. Criteria: ACMG Guidelines, 2015. Collection method: clinical testing. Allele origin: germline. Affected: yes.
Comment: The variant is not observed in the gnomAD v4.0.0 dataset. Predicted Consequence/Location: Missense variant In silico tool predictions suggest damaging effect of the variant on gene or gene product [3Cnet: 0.82 (>=0.6, sensitivity 0.72 and precision 0.9)]. Therefore, this variant is classified as VUS according to the recommendation of ACMG/AMP guideline.

Labcorp Genetics (formerly Invitae), Labcorp
Classification: Uncertain significance for Mowat-Wilson syndrome. Last evaluated: 2022-11-21. Review status: criteria provided, single submitter. Criteria: Invitae Variant Classification Sherloc (09022015). Collection method: clinical testing. Allele origin: germline.
Comment: This variant has not been reported in the literature in individuals affected with ZEB2-related conditions. This variant is not present in population databases (gnomAD no frequency). This sequence change replaces glutamic acid, which is acidic and polar, with lysine, which is basic and polar, at codon 307 of the ZEB2 protein (p.Glu307Lys). Algorithms developed to predict the effect of missense changes on protein structure and function (SIFT, PolyPhen-2, Align-GVGD) all suggest that this variant is likely to be disruptive. In summary, the available evidence is currently insufficient to determine the role of this variant in disease. Therefore, it has been classified as a Variant of Uncertain Significance.